The following is an entry in ClinVar:

ClinVar aggregate classification (germline): Uncertain significance (1 of 4 stars; one submission).

Conditions:
Inborn genetic diseases. Identifiers: MedGen C0950123, MeSH D030342.

Submission:

Ambry Genetics
Classification: Uncertain significance for Inborn genetic diseases. Last evaluated: 2025-10-14. Review status: criteria provided, single submitter. Criteria: Ambry Variant Classification Scheme 2023. Collection method: clinical testing. Allele origin: germline.
Comment: The p.R406K variant (also known as c.1217G>A), located in coding exon 4 of the MBD4 gene, results from a G to A substitution at nucleotide position 1217. The arginine at codon 406 is replaced by lysine, an amino acid with highly similar properties. This amino acid position is conserved. In addition, the in silico prediction for this alteration is inconclusive. Based on the available evidence, the clinical significance of this variant remains unclear.

NM_001276270.2(MBD4):c.1217G>A (p.Arg406Lys)

Gene: MBD4 (methyl-CpG binding domain 4, DNA glycosylase; minus strand). Cytogenetic location: 3q21.3.
Variant type: single nucleotide variant.
Coding change: c.1217G>A on transcript NM_001276270.2 (MANE Select); coding-DNA position 1217, G replaced by A.
Protein change: p.Arg406Lys; replaces arginine 406 with lysine.
Molecular consequence: missense variant.
Genome position (GRCh38, 1-based): chr3:129,434,103, C>T on the plus strand (G>A on the coding strand, the complement: MBD4 is on the minus strand). VCF-style: chr3-129434103-C-T. GRCh37 (hg19) VCF-style: chr3-129152946-C-T.
Other names: c.1235G>A, p.Arg412Lys (NM_001276271.2, NM_001276272.2, NM_003925.3); c.281G>A, p.Arg94Lys (NM_001276273.2); short protein forms R406K, R412K, R94K.
Identifiers: ClinVar variation 4624403 (VCV004624403.1).